The following is an entry in ClinVar:

ClinVar aggregate classification (germline): Benign/Likely benign. Review status: criteria provided, multiple submitters, no conflicts (2 of 4 stars). 7 submissions from 7 submitters: Benign (4); Likely benign (1). 2 of the submissions do not count toward it. Last evaluated 2026-02-04.

Allele frequency attached by ClinVar (database versions not stated): 1000 Genomes Project 30x 0.34010; 1000 Genomes Project 0.34425; ESP Exome Variant Server 0.36608; TOPMed 0.37002; gnomAD 0.37584 and 0.38005; ExAC 0.41975.
gnomAD v4.1: 715,162 of 1,592,064 alleles (45%); highest among the groups gnomAD compares: Non-Finnish European, 48%; 164,435 homozygotes.

Submissions (7):

Labcorp Genetics (formerly Invitae), Labcorp
Classification: Benign. Last evaluated: 2026-02-04. Review status: criteria provided, single submitter. Criteria: Invitae Variant Classification Sherloc (09022015). Collection method: clinical testing. Allele origin: germline.

Blueprint Genetics
Classification: Likely benign. Last evaluated: 2024-11-28. Review status: criteria provided, single submitter. Criteria: ACMG Guidelines, 2015. Collection method: clinical testing. Allele origin: germline.

GeneDx
Classification: Benign. Last evaluated: 2015-06-29. Review status: criteria provided, single submitter. Criteria: GeneDx Variant Classification (06012015). Collection method: clinical testing. Allele origin: germline. Affected: yes.
Comment: This variant is considered likely benign or benign based on one or more of the following criteria: it is a conservative change, it occurs at a poorly conserved position in the protein, it is predicted to be benign by multiple in silico algorithms, and/or has population frequency not consistent with disease.

Breakthrough Genomics
Classification: Benign. Review status: criteria provided, single submitter. Criteria: ACMG Guidelines, 2015. Collection method: not provided. Allele origin: germline. Inheritance: Autosomal dominant inheritance. Affected: yes.

PreventionGenetics, part of Exact Sciences
Classification: Benign. Review status: criteria provided, single submitter. Criteria: ACMG Guidelines, 2015. Collection method: clinical testing. Allele origin: germline.

Clinical Genetics, Academic Medical Center
Classification: Benign. Review status: no assertion criteria provided. Collection method: clinical testing. Allele origin: germline. Affected: yes. Study: VKGL Data-share Consensus. Not counted in ClinVar's aggregate classification.

Joint Genome Diagnostic Labs from Nijmegen and Maastricht, Radboudumc and MUMC+
Classification: Benign. Review status: no assertion criteria provided. Collection method: clinical testing. Allele origin: germline. Affected: yes. Study: VKGL Data-share Consensus. Not counted in ClinVar's aggregate classification.

NM_002067.5(GNA11):c.321+18T>G

Gene: GNA11 (G protein subunit alpha 11; plus strand). Cytogenetic location: 19p13.3.
Variant type: single nucleotide variant.
Coding change: c.321+18T>G on transcript NM_002067.5 (MANE Select); 18 bases into the intron after coding-DNA position 321, T replaced by G.
Molecular consequence: intron variant.
Genome position (GRCh38, 1-based): chr19:3,110,351, T>G. VCF-style: chr19-3110351-T-G. GRCh37 (hg19) VCF-style: chr19-3110349-T-G.
Identifiers: ClinVar variation 258546 (VCV000258546.17), dbSNP rs11085000, ClinGen allele CA9074791.